The following is an entry in ClinVar:

NM_001199107.2(TBC1D24):c.178C>T (p.Arg60Trp)

Gene: TBC1D24 (TBC1 domain family member 24; plus strand). Cytogenetic location: 16p13.3.
Variant type: single nucleotide variant.
Coding change: c.178C>T on transcript NM_001199107.2 (MANE Select); coding-DNA position 178, C replaced by T.
Protein change: p.Arg60Trp; replaces arginine 60 with tryptophan.
Molecular consequence: missense variant.
Genome position (GRCh38, 1-based): chr16:2,496,326, C>T. VCF-style: chr16-2496326-C-T. GRCh37 (hg19) VCF-style: chr16-2546327-C-T.
Other names: p.R60W:CGG>TGG; c.178C>T, p.Arg60Trp (NM_020705.3); short protein forms R60W.
Identifiers: ClinVar variation 207517 (VCV000207517.60), dbSNP rs373914077, ClinGen allele CA319072.

ClinVar aggregate classification (germline): Likely benign. Review status: criteria provided, multiple submitters, no conflicts (2 of 4 stars). 7 submissions from 7 submitters: Likely benign (5). 2 of the submissions do not count toward it. Last evaluated 2026-09-01.

Conditions:
Autosomal dominant nonsyndromic hearing loss 65. Also called: TBC1D24-Related Autosomal Dominant Nonsyndromic Hearing Loss (DFNA); Deafness, autosomal dominant 65. Identifiers: Orphanet 90635, MedGen C3892048, MONDO:0014470, OMIM 616044.
Developmental and epileptic encephalopathy, 1 (DEE1). Also called: Epileptic encephalopathy, early infantile, 1; OHTAHARA SYNDROME, X-LINKED; X-linked infantile spasms; West's syndrome; Tonic spasms with clustering, arrest of psychomotor development and hypsarrhythmia on EEG; X-Linked Infantile Spasm Syndrome. Identifiers: MedGen C3463992, MONDO:0010632, OMIM 308350. Disease mechanism: loss of function.
TBC1D24-related disorder. Also called: TBC1D24-related disorders; TBC1D24-related condition. Identifiers: MedGen CN381194.
Inborn genetic diseases. Identifiers: MedGen C0950123, MeSH D030342.

Allele frequency attached by ClinVar (database versions not stated): gnomAD exomes 0.00023 and 0.00016; 1000 Genomes Project 0.00040; 1000 Genomes Project 30x 0.00047; TOPMed 0.00006; gnomAD 0.00007 and 0.00011; ESP Exome Variant Server 0.00008; ExAC 0.00021.
gnomAD v4.1: 253 of 1,613,588 alleles (0.016%); highest among the groups gnomAD compares: Middle Eastern, 0.099%; 1 homozygote.

Submissions (7):

CeGaT Center for Human Genetics Tuebingen
Classification: Likely benign. Last evaluated: 2026-09-01. Review status: criteria provided, single submitter. Criteria: CeGaT Center For Human Genetics Tuebingen Variant Classification Criteria Version 2. Collection method: clinical testing. Allele origin: germline. Affected: yes. Observed: 2 variant alleles.
Comment: TBC1D24: BP4

Labcorp Genetics (formerly Invitae), Labcorp
Classification: Likely benign for Developmental and epileptic encephalopathy, 1; Autosomal dominant nonsyndromic hearing loss 65. Last evaluated: 2025-10-27. Review status: criteria provided, single submitter. Criteria: Invitae Variant Classification Sherloc (09022015). Collection method: clinical testing. Allele origin: germline.

PreventionGenetics, part of Exact Sciences
Classification: Likely benign for TBC1D24-related condition. Last evaluated: 2025-01-21. Review status: criteria provided, single submitter. Criteria: ACMG Guidelines, 2015. Collection method: clinical testing. Allele origin: germline.
Comment: This variant is classified as likely benign based on ACMG/AMP sequence variant interpretation guidelines (Richards et al. 2015 PMID: 25741868, with internal and published modifications).

Ambry Genetics
Classification: Likely benign for Inborn genetic diseases. Last evaluated: 2024-10-03. Review status: criteria provided, single submitter. Criteria: Ambry Variant Classification Scheme 2023. Collection method: clinical testing. Allele origin: germline.

GeneDx
Classification: Likely benign. Last evaluated: 2021-04-21. Review status: criteria provided, single submitter. Criteria: GeneDx Variant Classification Process June 2021. Collection method: clinical testing. Allele origin: germline. Affected: yes.
Comment: This variant is associated with the following publications: (PMID: 24291220)

Clinical Genetics DNA and cytogenetics Diagnostics Lab, Erasmus MC, Erasmus Medical Center
Classification: Uncertain significance. Review status: no assertion criteria provided. Collection method: clinical testing. Allele origin: germline. Affected: yes. Study: VKGL Data-share Consensus. Not counted in ClinVar's aggregate classification.

Diagnostic Laboratory, Department of Genetics, University Medical Center Groningen
Classification: Uncertain significance. Review status: no assertion criteria provided. Collection method: clinical testing. Allele origin: germline. Affected: yes. Study: VKGL Data-share Consensus. Not counted in ClinVar's aggregate classification.